The following is an entry in ClinVar:

NM_004985.5(KRAS):c.-169_-149del

Genes: KRAS (KRAS proto-oncogene, GTPase; minus strand), LOC130007561 (ATAC-STARR-seq lymphoblastoid silent region 4294; plus strand). Cytogenetic location: 12p12.1.
Variant type: Deletion.
Coding change: c.-169_-149del on transcript NM_004985.5 (MANE Select); 169 bases upstream of the start codon through 149 bases upstream of the start codon, 21 bases deleted (GGAGGCAGCAGCGGCGGCGGC).
Molecular consequence: 5 prime UTR variant.
Genome position (GRCh38, 1-based): chr12:25,250,888-25,250,908, GCCGCCGCCGCTGCTGCCTCC deleted on the plus strand (GGAGGCAGCAGCGGCGGCGGC on the coding strand, the reverse complement: KRAS is on the minus strand); deleting any 21 consecutive bases within chr12:25,250,888-25,250,916 gives the same sequence; the c. name uses the placement nearest the transcript's 3' end. VCF-style (leftmost placement, unchanged base first): chr12-25250887-TGCCGCCGCCGCTGCTGCCTCC-T. GRCh37 (hg19) VCF-style: chr12-25403821-TGCCGCCGCCGCTGCTGCCTCC-T.
Other names: c.-156_-136del (NM_001369786.1, NM_001369787.1); c.-169_-149del (NM_033360.4).
Identifiers: ClinVar variation 3046122 (VCV003046122.2), dbSNP rs1951762612, ClinGen allele CA2022911313.

ClinVar aggregate classification (germline): Likely benign (0 of 4 stars; one submission).

Conditions:
KRAS-related disorder. Also called: KRAS-related disorders; KRAS-related condition.

Submission:

PreventionGenetics, part of Exact Sciences
Classification: Likely benign for KRAS-related condition. Last evaluated: 2022-10-01. Review status: no assertion criteria provided. Collection method: clinical testing. Allele origin: germline.
Comment: This variant is classified as likely benign based on ACMG/AMP sequence variant interpretation guidelines (Richards et al. 2015 PMID: 25741868, with internal and published modifications).